The following is an entry in ClinVar:

ClinVar aggregate classification (germline): Likely pathogenic. Review status: criteria provided, multiple submitters, no conflicts (2 of 4 stars). 3 submissions from 3 submitters: Likely pathogenic (3). Last evaluated 2024-03-08.

Conditions:
Aminoglycoside-induced deafness. Also called: DEAFNESS, STREPTOMYCIN-INDUCED; MT-RNR1-Related Hearing Loss and Deafness; STREPTOMYCIN OTOTOXICITY. Identifiers: Orphanet 168609, MedGen C1838854, MONDO:0010799, OMIM 580000.
Acute infantile liver failure due to synthesis defect of mtDNA-encoded proteins. Also called: Liver failure acute infantile; TRMU Deficiency; LIVER FAILURE, INFANTILE, TRANSIENT. Identifiers: Orphanet 217371, MedGen C3278664, MONDO:0013111, OMIM 613070.

Allele frequency attached by ClinVar (database versions not stated): gnomAD exomes below 0.00001.
gnomAD v4.1: 4 of 1,613,924 alleles (0.00025%); highest among the groups gnomAD compares: Non-Finnish European, 0.00034%; no homozygotes.

Submissions (3):

Fulgent Genetics
Classification: Likely pathogenic for Aminoglycoside-induced deafness; Acute infantile liver failure due to synthesis defect of mtDNA-encoded proteins. Last evaluated: 2024-03-08. Review status: criteria provided, single submitter. Criteria: ACMG Guidelines, 2015. Collection method: clinical testing. Allele origin: germline.

Baylor Genetics
Classification: Likely pathogenic for Aminoglycoside-induced deafness. Last evaluated: 2022-10-13. Review status: criteria provided, single submitter. Criteria: ACMG Guidelines, 2015. Collection method: clinical testing. Allele origin: unknown.

Labcorp Genetics (formerly Invitae), Labcorp
Classification: Likely pathogenic. Last evaluated: 2022-05-27. Review status: criteria provided, single submitter. Criteria: Invitae Variant Classification Sherloc (09022015). Collection method: clinical testing. Allele origin: germline.
Comment: This sequence change affects a donor splice site in intron 7 of the TRMU gene. It is expected to disrupt RNA splicing. Variants that disrupt the donor or acceptor splice site typically lead to a loss of protein function (PMID: 16199547), and loss-of-function variants in TRMU are known to be pathogenic (PMID: 19732863, 23625533). In summary, the currently available evidence indicates that the variant is pathogenic, but additional data are needed to prove that conclusively. Therefore, this variant has been classified as Likely Pathogenic. Algorithms developed to predict the effect of sequence changes on RNA splicing suggest that this variant may disrupt the consensus splice site. ClinVar contains an entry for this variant (Variation ID: 1067227). This variant has not been reported in the literature in individuals affected with TRMU-related conditions. This variant is not present in population databases (gnomAD no frequency).

Literature cited by the submitters: PubMed 16199547 (cited by Labcorp Genetics (formerly Invitae), Labcorp); PubMed 19732863 (cited by Labcorp Genetics (formerly Invitae), Labcorp); PubMed 23625533 (cited by Labcorp Genetics (formerly Invitae), Labcorp).

NM_018006.5(TRMU):c.772+2T>G

Gene: TRMU (tRNA mitochondrial 2-thiouridylase; plus strand). Cytogenetic location: 22q13.31.
Variant type: single nucleotide variant.
Coding change: c.772+2T>G on transcript NM_018006.5 (MANE Select); the canonical splice donor site of the intron after coding-DNA position 772, T replaced by G.
Molecular consequence: splice donor variant.
Genome position (GRCh38, 1-based): chr22:46,352,332, T>G. VCF-style: chr22-46352332-T-G. GRCh37 (hg19) VCF-style: chr22-46748229-T-G.
Other names: c.772+2T>G (NM_001282785.2); c.430+2T>G (NM_001282782.2); c.352+2T>G (NM_001282783.2, NM_001282784.2).
Identifiers: ClinVar variation 1067227 (VCV001067227.11), dbSNP rs2147096093, ClinGen allele CA411946630.